The following is an entry in ClinVar:

NM_000138.5(FBN1):c.7003C>G (p.Arg2335Gly)

Gene: FBN1 (fibrillin 1; minus strand). Cytogenetic location: 15q21.1.
Variant type: single nucleotide variant.
Coding change: c.7003C>G on transcript NM_000138.5 (MANE Select); coding-DNA position 7003, C replaced by G.
Protein change: p.Arg2335Gly; replaces arginine 2335 with glycine.
Molecular consequence: missense variant.
Genome position (GRCh38, 1-based): chr15:48,427,768, G>C on the plus strand (C>G on the coding strand, the complement: FBN1 is on the minus strand). VCF-style: chr15-48427768-G-C. GRCh37 (hg19) VCF-style: chr15-48719965-G-C.
Other names: short protein forms R2335G.
Identifiers: ClinVar variation 495643 (VCV000495643.4), dbSNP rs794728262, ClinGen allele CA392330360.
Genomic context (GRCh38, chr15:48,427,768, plus strand): 5'-TGTTGCTGGAGCCGATCTGACACATGTTTTGTAGCACCTCTGTGAAGCAGTACCCTTCCC[G>C]ATTGTCTGGAAGGGACATTATATGGCAAAGGGGATGTCAGGAAATTTTAAGAGCAAACAA-3'
Protein context (NP_000129.3, residues 2325-2345): SPNQDECLDN[Arg2335Gly]EGYCFTEVLQ

ClinVar aggregate classification (germline): Conflicting classifications of pathogenicity. Review status: criteria provided, conflicting classifications (1 of 4 stars). 2 submissions from 2 submitters: Likely pathogenic (1); Uncertain significance (1). Last evaluated 2025-12-17.

Conditions:
Marfan syndrome (MFS). Also called: MARFAN SYNDROME, TYPE I; FBN1-Related Marfan Syndrome; Marfan syndrome type 1; Marfan's syndrome; Marfan syndrome, classic. Identifiers: Orphanet 284963, Orphanet 558, MedGen C0024796, MONDO:0007947, OMIM 154700.
Familial thoracic aortic aneurysm and aortic dissection (TAAD). Also called: Thoracic aortic aneurysms and dissections. Identifiers: Orphanet 91387, MedGen C4707243, MONDO:0019625.

Submissions (2):

Labcorp Genetics (formerly Invitae), Labcorp
Classification: Likely pathogenic for Marfan syndrome; Familial thoracic aortic aneurysm and aortic dissection. Last evaluated: 2025-12-17. Review status: criteria provided, single submitter. Criteria: Invitae Variant Classification Sherloc (09022015). Collection method: clinical testing. Allele origin: germline.
Comment: This sequence change replaces arginine, which is basic and polar, with glycine, which is neutral and non-polar, at codon 2335 of the FBN1 protein (p.Arg2335Gly). This variant is not present in population databases (gnomAD no frequency). This missense change has been observed in individual(s) with FBN1-related conditions (internal data). ClinVar contains an entry for this variant (Variation ID: 495643). Invitae Evidence Modeling of protein sequence and biophysical properties (such as structural, functional, and spatial information, amino acid conservation, physicochemical variation, residue mobility, and thermodynamic stability) indicates that this missense variant is expected to disrupt FBN1 protein function with a positive predictive value of 95%. This variant disrupts the p.Arg2335 amino acid residue in FBN1. Other variant(s) that disrupt this residue have been determined to be pathogenic (PMID: 12203992, 29357934; internal data). This suggests that this residue is clinically significant, and that variants that disrupt this residue are likely to be disease-causing. In summary, the currently available evidence indicates that the variant is pathogenic, but additional data are needed to prove that conclusively. Therefore, this variant has been classified as Likely Pathogenic.

Women's Health and Genetics/Laboratory Corporation of America, LabCorp
Classification: Uncertain significance. Last evaluated: 2016-09-07. Review status: criteria provided, single submitter. Criteria: LabCorp Variant Classification Summary - May 2015. Collection method: clinical testing. Allele origin: germline.
Comment: Variant summary: The FBN1 c.7003C>G (p.Arg2335Gly) variant involves the alteration of a conserved nucleotide. 3/4 in silico tools predict a damaging outcome for this variant. The variant lies in EGF-like calcium-binding domain; Cys substitution is known to be deleterious in such domains. Another missense change at the same residue, p.Arg2335Trp, has been reported in patients with Marfan syndrome in literature and is classified as pathogenic by a lab in ClinVar. This variant is absent in 116790 control chromosomes from ExAC. The variant of interest has not, to our knowledge, been reported in affected individuals via publications and/or reputable databases/clinical diagnostic laboratories, nor evaluated for functional impact by in vivo/vitro studies. Because of the absence of clinical information and the lack of functional studies, the variant is currently classified as a variant of uncertain significance (VUS) until additional information becomes available.

Literature cited by the submitters: PubMed 12203992 (cited by Labcorp Genetics (formerly Invitae), Labcorp); PubMed 29357934 (cited by Labcorp Genetics (formerly Invitae), Labcorp).